The following is an entry in ClinVar:

ClinVar aggregate classification (germline): Conflicting classifications of pathogenicity. Review status: criteria provided, conflicting classifications (1 of 4 stars). 3 submissions from 3 submitters: Uncertain significance (1); Likely benign (2). Last evaluated 2024-06-11.

Conditions:
Cardiovascular phenotype. Identifiers: MedGen CN230736.
Long QT syndrome (LQTS). Identifiers: MedGen C0023976, MeSH D008133, MONDO:0002442. Disease mechanism: loss of function. Inheritance: Various modes of inheritance.

Allele frequency attached by ClinVar (database versions not stated): gnomAD exomes below 0.00001.
gnomAD v4.1: 1 of 1,611,244 alleles (0.000062%); highest among the groups gnomAD compares: Non-Finnish European, 0.000085%; no homozygotes.

Submissions (3):

Labcorp Genetics (formerly Invitae), Labcorp
Classification: Likely benign for Long QT syndrome. Last evaluated: 2024-06-11. Review status: criteria provided, single submitter. Criteria: Invitae Variant Classification Sherloc (09022015). Collection method: clinical testing. Allele origin: germline.

GeneDx
Classification: Uncertain significance. Last evaluated: 2023-04-24. Review status: criteria provided, single submitter. Criteria: GeneDx Variant Classification Process June 2021. Collection method: clinical testing. Allele origin: germline. Affected: yes.
Comment: Not observed at significant frequency in large population cohorts (gnomAD); In silico analysis supports that this variant does not alter splicing; Has not been previously published as pathogenic or benign to our knowledge

Ambry Genetics
Classification: Likely benign for Cardiovascular phenotype. Last evaluated: 2023-01-28. Review status: criteria provided, single submitter. Criteria: Ambry Variant Classification Scheme 2023. Collection method: clinical testing. Allele origin: germline.

NM_000719.7(CACNA1C):c.3462C>A (p.Ala1154=)

Gene: CACNA1C (calcium voltage-gated channel subunit alpha1 C; plus strand). Cytogenetic location: 12p13.33.
Variant type: single nucleotide variant.
Coding change: c.3462C>A on transcript NM_000719.7 (MANE Select); coding-DNA position 3462, C replaced by A.
Protein change: p.Ala1154=; no amino-acid change (alanine 1154 retained).
Molecular consequence: synonymous variant.
Genome position (GRCh38, 1-based): chr12:2,608,616, C>A. VCF-style: chr12-2608616-C-A. GRCh37 (hg19) VCF-style: chr12-2717782-C-A.
Other names: c.3462C>A, p.Ala1154= (NM_001129841.2, NM_001129846.2, NM_001129843.2 and 15 more transcripts); c.3522C>A, p.Ala1174= (NM_199460.4, NM_001129827.2, NM_001129832.2); c.3453C>A, p.Ala1151= (NM_001129844.2).
Identifiers: ClinVar variation 2452668 (VCV002452668.5), dbSNP rs1168511209, ClinGen allele CA477901995.